The following is an entry in ClinVar:

ClinVar aggregate classification (germline): Uncertain significance (1 of 4 stars; one submission).

gnomAD v4.1: 2 of 1,613,674 alleles (0.00012%); highest among the groups gnomAD compares: Middle Eastern, 0.033%; no homozygotes.

Submission:

GeneDx
Classification: Uncertain significance. Last evaluated: 2025-07-03. Review status: criteria provided, single submitter. Criteria: GeneDx Variant Classification Process June 2021. Collection method: clinical testing. Allele origin: germline. Affected: yes.
Comment: Not observed at significant frequency in large population cohorts (gnomAD); In silico analysis supports that this missense variant has a deleterious effect on protein structure/function; Has not been previously published as pathogenic or benign to our knowledge

NM_022489.4(INF2):c.3706G>T (p.Asp1236Tyr)

Gene: INF2 (inverted formin 2; plus strand). Cytogenetic location: 14q32.33.
Variant type: single nucleotide variant.
Coding change: c.3706G>T on transcript NM_022489.4 (MANE Select); coding-DNA position 3706, G replaced by T.
Protein change: p.Asp1236Tyr; replaces aspartic acid 1236 with tyrosine.
Molecular consequence: missense variant. On other transcripts: non-coding transcript variant (1), intron variant (3).
Genome position (GRCh38, 1-based): chr14:104,715,295, G>T. VCF-style: chr14-104715295-G-T. GRCh37 (hg19) VCF-style: chr14-105181632-G-T.
Other names: c.3706G>T, p.Asp1236Tyr (NM_001426863.1, NM_001426864.1); c.3694+439G>T (NM_001426865.1, NM_001426862.1, NM_001031714.4); short protein forms D1236Y.
Identifiers: ClinVar variation 4680902 (VCV004680902.1).